The following is an entry in ClinVar:

NM_152564.5(VPS13B):c.4259A>G (p.Gln1420Arg)

Gene: VPS13B (vacuolar protein sorting 13 homolog B; plus strand). Cytogenetic location: 8q22.2.
Variant type: single nucleotide variant.
Coding change: c.4259A>G on transcript NM_152564.5 (MANE Select); coding-DNA position 4259, A replaced by G.
Protein change: p.Gln1420Arg; replaces glutamine 1420 with arginine.
Molecular consequence: missense variant.
Genome position (GRCh38, 1-based): chr8:99,511,138, A>G. VCF-style: chr8-99511138-A-G. GRCh37 (hg19) VCF-style: chr8-100523366-A-G.
Other names: c.4334A>G, p.Gln1445Arg (NM_017890.5); short protein forms Q1420R, Q1445R.
Identifiers: ClinVar variation 1716858 (VCV001716858.5), dbSNP rs769643845, ClinGen allele CA4823506.

ClinVar aggregate classification (germline): Uncertain significance (1 of 4 stars; one submission).

Conditions:
Cohen syndrome (COH1). Also called: PEPPER SYNDROME; Cutis verticis gyrata, retinitis pigmentosa, and sensorineural deafness. Identifiers: Orphanet 193, MedGen C0265223, MONDO:0008999, OMIM 216550.

Allele frequency attached by ClinVar (database versions not stated): ExAC 0.00001; gnomAD exomes 0.00001.
gnomAD v4.1: 7 of 1,613,718 alleles (0.00043%); highest among the groups gnomAD compares: Non-Finnish European, 0.00059%; no homozygotes.

Submission:

Labcorp Genetics (formerly Invitae), Labcorp
Classification: Uncertain significance for Cohen syndrome. Last evaluated: 2022-08-19. Review status: criteria provided, single submitter. Criteria: Invitae Variant Classification Sherloc (09022015). Collection method: clinical testing. Allele origin: germline.
Comment: In summary, the available evidence is currently insufficient to determine the role of this variant in disease. Therefore, it has been classified as a Variant of Uncertain Significance. Algorithms developed to predict the effect of missense changes on protein structure and function are either unavailable or do not agree on the potential impact of this missense change (SIFT: "Not Available"; PolyPhen-2: "Possibly Damaging"; Align-GVGD: "Not Available"). This variant has not been reported in the literature in individuals affected with VPS13B-related conditions. This variant is present in population databases (rs769643845, gnomAD 0.0009%). This sequence change replaces glutamine, which is neutral and polar, with arginine, which is basic and polar, at codon 1445 of the VPS13B protein (p.Gln1445Arg).